The following is an entry in ClinVar:

ClinVar aggregate classification (germline): Uncertain significance (1 of 4 stars; one submission).

Allele frequency attached by ClinVar (database versions not stated): TOPMed below 0.00001; ExAC 0.00001; gnomAD 0.00003.
gnomAD v4.1: 57 of 1,614,136 alleles (0.0035%); highest among the groups gnomAD compares: Middle Eastern, 0.049%; no homozygotes.

Submission:

Labcorp Genetics (formerly Invitae), Labcorp
Classification: Uncertain significance. Last evaluated: 2023-01-10. Review status: criteria provided, single submitter. Criteria: Invitae Variant Classification Sherloc (09022015). Collection method: clinical testing. Allele origin: germline.
Comment: In summary, the available evidence is currently insufficient to determine the role of this variant in disease. Therefore, it has been classified as a Variant of Uncertain Significance. Advanced modeling of protein sequence and biophysical properties (such as structural, functional, and spatial information, amino acid conservation, physicochemical variation, residue mobility, and thermodynamic stability) performed at Invitae indicates that this missense variant is not expected to disrupt PCK2 protein function. This variant has not been reported in the literature in individuals affected with PCK2-related conditions. This variant is present in population databases (rs763901019, gnomAD 0.003%). This sequence change replaces arginine, which is basic and polar, with tryptophan, which is neutral and slightly polar, at codon 560 of the PCK2 protein (p.Arg560Trp).

NM_004563.4(PCK2):c.1678C>T (p.Arg560Trp)

Genes: NRL (neural retina leucine zipper; minus strand), PCK2 (phosphoenolpyruvate carboxykinase 2, mitochondrial; plus strand). Cytogenetic location: 14q12.
Variant type: single nucleotide variant.
Coding change: c.1678C>T on transcript NM_004563.4 (MANE Select); coding-DNA position 1678, C replaced by T.
Protein change: p.Arg560Trp; replaces arginine 560 with tryptophan.
Molecular consequence: missense variant. On other transcripts: intron variant (3).
Genome position (GRCh38, 1-based): chr14:24,103,719, C>T. VCF-style: chr14-24103719-C-T. GRCh37 (hg19) VCF-style: chr14-24572928-C-T.
Other names: c.1276C>T, p.Arg426Trp (NM_001291556.2, NM_001308054.2); c.-28+11003G>A (NM_001354768.3, NM_001354770.2); c.-254+11003G>A (NM_006177.5); short protein forms R560W, R426W.
Identifiers: ClinVar variation 2912418 (VCV002912418.3), dbSNP rs763901019, ClinGen allele CA7123594.